The following is an entry in ClinVar:

ClinVar aggregate classification (germline): Likely benign (1 of 4 stars; one submission).

gnomAD v4.1: 13 of 1,613,480 alleles (0.00081%); highest among the groups gnomAD compares: Admixed American, 0.022%; no homozygotes.

Submission:

CeGaT Center for Human Genetics Tuebingen
Classification: Likely benign. Last evaluated: 2026-09-01. Review status: criteria provided, single submitter. Criteria: CeGaT Center For Human Genetics Tuebingen Variant Classification Criteria Version 2. Collection method: clinical testing. Allele origin: germline. Affected: yes. Observed: 1 variant allele.
Comment: GBA1: BP4, BP7

NM_000157.4(GBA1):c.1407C>T (p.Gly469=)

Genes: GBA1 (glucosylceramidase beta 1; minus strand), LOC106627981 (GBA recombination region; plus strand). Cytogenetic location: 1q22.
Variant type: single nucleotide variant.
Coding change: c.1407C>T on transcript NM_000157.4 (MANE Select); coding-DNA position 1407, C replaced by T.
Protein change: p.Gly469=; no amino-acid change (glycine 469 retained).
Molecular consequence: synonymous variant.
Genome position (GRCh38, 1-based): chr1:155,235,293, G>A on the plus strand (C>T on the coding strand, the complement: GBA1 is on the minus strand). VCF-style: chr1-155235293-G-A. GRCh37 (hg19) VCF-style: chr1-155205084-G-A.
Other names: c.1407C>T, p.Gly469= (NM_001005741.3, NM_001005742.3); c.1146C>T, p.Gly382= (NM_001171811.2); c.1260C>T, p.Gly420= (NM_001171812.2).
Identifiers: ClinVar variation 5041645 (VCV005041645.1).